The following is an entry in ClinVar:

ClinVar aggregate classification (germline): Likely benign. Review status: criteria provided, multiple submitters, no conflicts (2 of 4 stars). 2 submissions from 2 submitters: Likely benign (2). Last evaluated 2026-08-17.

Conditions:
DICER1-related tumor predisposition. Also called: DICER1-related pleuropulmonary blastoma cancer predisposition syndrome; DICER1 syndrome. Identifiers: Orphanet 284343, MedGen C3839822, MONDO:0100216.

gnomAD v4.1: 1 of 1,613,630 alleles (0.000062%); highest among the groups gnomAD compares: Non-Finnish European, 0.000085%; no homozygotes.

Submissions (2):

Myriad Genetics, Inc.
Classification: Likely benign for DICER1-related tumor predisposition. Last evaluated: 2026-08-17. Review status: criteria provided, single submitter. Criteria: Myriad Autosomal Dominant, Autosomal Recessive and X-Linked Classification Criteria (2023). Collection method: clinical testing. Allele origin: unknown.
Comment: This variant is considered likely benign. This variant is intronic and is not expected to impact mRNA splicing.

Labcorp Genetics (formerly Invitae), Labcorp
Classification: Likely benign for DICER1-related tumor predisposition. Last evaluated: 2025-12-09. Review status: criteria provided, single submitter. Criteria: Invitae Variant Classification Sherloc (09022015). Collection method: clinical testing. Allele origin: germline.

NM_177438.3(DICER1):c.4050+10G>T

Gene: DICER1 (dicer 1, ribonuclease III; minus strand). Cytogenetic location: 14q32.13.
Variant type: single nucleotide variant.
Coding change: c.4050+10G>T on transcript NM_177438.3 (MANE Select); 10 bases into the intron after coding-DNA position 4050, G replaced by T.
Molecular consequence: intron variant.
Genome position (GRCh38, 1-based): chr14:95,103,336, C>A on the plus strand (G>T on the coding strand, the complement: DICER1 is on the minus strand). VCF-style: chr14-95103336-C-A. GRCh37 (hg19) VCF-style: chr14-95569673-C-A.
Other names: c.4050+10G>T (NM_001291628.2, NM_030621.4, NM_001395677.1 and 12 more transcripts); c.3645+10G>T (NM_001395690.1, NM_001395687.1, NM_001395689.1 and 2 more transcripts); c.3768+10G>T (NM_001395686.1); c.3483+10G>T (NM_001395691.1); c.2367+10G>T (NM_001395697.1).
Identifiers: ClinVar variation 2071922 (VCV002071922.5), dbSNP rs2542682416, ClinGen allele CA2575616149.